The following is an entry in ClinVar:

Conditions:
Breast-ovarian cancer, familial, susceptibility to, 1 (BROVCA1). Also called: BRCA1 Hereditary Breast and Ovarian Cancer; OVARIAN CANCER, SUSCEPTIBILITY TO. Identifiers: Orphanet 145, MedGen C2676676, MONDO:0011450, OMIM 604370. Disease mechanism: loss of function.

Submission:

Brotman Baty Institute, University of Washington
No classification provided (evidence only). Condition: Breast-ovarian cancer, familial 1. Review status: no classification provided. Collection method: in vitro. Allele origin: not applicable. Functional consequence: function_uncertain_variant.
ClinVar note: "not provided" was previously submitted as the classification for the variant. However, the classification appeared to be based only on an observation of functional data so it was converted to no classification on 2025-07-30.

NM_007294.4(BRCA1):c.5314T>G (p.Phe1772Val)

Gene: BRCA1 (BRCA1 DNA repair associated; minus strand). Cytogenetic location: 17q21.31.
Variant type: single nucleotide variant.
Coding change: c.5314T>G on transcript NM_007294.4 (MANE Select); coding-DNA position 5314, T replaced by G.
Protein change: p.Phe1772Val; replaces phenylalanine 1772 with valine.
Molecular consequence: missense variant. On other transcripts: non-coding transcript variant (1).
Genome position (GRCh38, 1-based): chr17:43,051,081, A>C on the plus strand (T>G on the coding strand, the complement: BRCA1 is on the minus strand). VCF-style: chr17-43051081-A-C. GRCh37 (hg19) VCF-style: chr17-41203098-A-C.
Other names: c.5101T>G, p.Phe1701Val (NM_001407571.1, NM_001407894.1, NM_001407895.1 and 12 more transcripts); c.5380T>G, p.Phe1794Val (NM_001407581.1, NM_001407582.1); c.5377T>G, p.Phe1793Val (NM_001407583.1, NM_001407585.1, NM_001407587.1 and 1 more transcripts); c.5374T>G, p.Phe1792Val (NM_001407590.1, NM_001407591.1); c.5314T>G, p.Phe1772Val (NM_001407593.1, NM_001407594.1, NM_001407596.1 and 6 more transcripts); c.5311T>G, p.Phe1771Val (NM_001407610.1, NM_001407621.1, NM_001407622.1 and 17 more transcripts); c.5308T>G, p.Phe1770Val (NM_001407627.1, NM_001407628.1, NM_001407629.1 and 14 more transcripts); c.5305T>G, p.Phe1769Val (NM_001407644.1, NM_001407645.1); and 72 more; short protein forms F1725V, F1772V, F1793V, F668V, F1618V, F1644V, F1660V, F1700V.
Identifiers: ClinVar variation 865295 (VCV000865295.3), dbSNP rs2051201351, ClinGen allele CA10590923.